The following is an entry in ClinVar:

ClinVar aggregate classification (germline): Uncertain significance (1 of 4 stars; one submission).

Conditions:
RYR1-related disorder. Also called: RYR1-related condition; RYR1-related disorders. Identifiers: MedGen CN239331.

Allele frequency attached by ClinVar (database versions not stated): gnomAD 0.00001.
gnomAD v4.1: 1 of 1,613,982 alleles (0.000062%); highest among the groups gnomAD compares: Admixed American, 0.0017%; no homozygotes.

Submission:

Labcorp Genetics (formerly Invitae), Labcorp
Classification: Uncertain significance for RYR1-related disorder. Last evaluated: 2021-03-22. Review status: criteria provided, single submitter. Criteria: Invitae Variant Classification Sherloc (09022015). Collection method: clinical testing. Allele origin: germline.
Comment: In summary, the available evidence is currently insufficient to determine the role of this variant in disease. Therefore, it has been classified as a Variant of Uncertain Significance. Advanced modeling of protein sequence and biophysical properties (such as structural, functional, and spatial information, amino acid conservation, physicochemical variation, residue mobility, and thermodynamic stability) performed at Invitae indicates that this missense variant is not expected to disrupt RYR1 protein function. This variant has not been reported in the literature in individuals with RYR1-related conditions. This variant is not present in population databases (ExAC no frequency). This sequence change replaces alanine with threonine at codon 1120 of the RYR1 protein (p.Ala1120Thr). The alanine residue is moderately conserved and there is a small physicochemical difference between alanine and threonine.

NM_000540.3(RYR1):c.3358G>A (p.Ala1120Thr)

Gene: RYR1 (ryanodine receptor 1; plus strand). Cytogenetic location: 19q13.2.
Variant type: single nucleotide variant.
Coding change: c.3358G>A on transcript NM_000540.3 (MANE Select); coding-DNA position 3358, G replaced by A.
Protein change: p.Ala1120Thr; replaces alanine 1120 with threonine.
Molecular consequence: missense variant.
Genome position (GRCh38, 1-based): chr19:38,467,789, G>A. VCF-style: chr19-38467789-G-A. GRCh37 (hg19) VCF-style: chr19-38958429-G-A.
Other names: c.3358G>A, p.Ala1120Thr (NM_001042723.2); short protein forms A1120T.
Identifiers: ClinVar variation 1358361 (VCV001358361.8), dbSNP rs1968189676, ClinGen allele CA405637492.